The following is an entry in ClinVar:

ClinVar aggregate classification (germline): Pathogenic. Review status: criteria provided, multiple submitters, no conflicts (2 of 4 stars). 6 submissions from 6 submitters: Pathogenic (6). Last evaluated 2025-10-21.

Conditions:
Inborn genetic diseases. Identifiers: MedGen C0950123, MeSH D030342.
Wiedemann-Steiner syndrome (WDSTS). Also called: Growth deficiency and mental retardation with facial dysmorphism. Identifiers: Orphanet 319182, MedGen C1854630, MONDO:0011518, OMIM 605130.

Submissions (6):

Ambry Genetics
Classification: Pathogenic for Inborn genetic diseases. Last evaluated: 2025-10-21. Review status: criteria provided, single submitter. Criteria: Ambry Variant Classification Scheme 2023. Collection method: clinical testing. Allele origin: germline.
Comment: The c.173dupC (p.A59Gfs*88) alteration, located in exon 1 (coding exon 1) of the KMT2A gene, consists of a duplication of C at position 173, causing a translational frameshift with a predicted alternate stop codon after 88 amino acids. This alteration is expected to result in loss of function by premature protein truncation or nonsense-mediated mRNA decay. The Genome Aggregation Database (gnomAD) data for this variant is unreliable due to technical and/or biological issues; therefore, population frequency estimates were not considered. This variant was reported in individuals with features consistent with Wiedemann-Steiner syndrome; in at least one individual, it was determined to be de novo (Feldman, 2019; Silveira, 2024). Based on the available evidence, this alteration is classified as pathogenic.

GeneDx
Classification: Pathogenic. Last evaluated: 2025-07-29. Review status: criteria provided, single submitter. Criteria: GeneDx Variant Classification Process June 2021. Collection method: clinical testing. Allele origin: germline. Affected: yes.
Comment: Frameshift variant predicted to result in protein truncation or nonsense mediated decay in a gene for which loss of function is a known mechanism of disease; Not observed at significant frequency in large population cohorts (gnomAD); This variant is associated with the following publications: (PMID: Fontana2020, 30549396, 38397201)

Department of Endocrinology, Second Affiliated Hospital, Zhejiang University School of Medicine
Classification: Pathogenic for Wiedemann-Steiner syndrome. Last evaluated: 2024-03-04. Review status: criteria provided, single submitter. Criteria: ACMG Guidelines, 2015. Collection method: clinical testing. Allele origin: germline. Inheritance: Autosomal dominant inheritance. Affected: yes.
Comment: In summary, this variant meets the criteria to be classified as pathogenic for Marfan syndrome based on the ACMG/AMP criteria applied, as specified by the ClinGen KMT2A: PS1 and PS2.

Labcorp Genetics (formerly Invitae), Labcorp
Classification: Pathogenic. Last evaluated: 2023-02-18. Review status: criteria provided, single submitter. Criteria: Invitae Variant Classification Sherloc (09022015). Collection method: clinical testing. Allele origin: germline.
Comment: This sequence change creates a premature translational stop signal (p.Ala59Glyfs*88) in the KMT2A gene. It is expected to result in an absent or disrupted protein product. Loss-of-function variants in KMT2A are known to be pathogenic (PMID: 22795537, 25574841, 25810209, 28120103, 29574747, 31157197, 31337854). This variant is not present in population databases (gnomAD no frequency). This premature translational stop signal has been observed in individual(s) with Wiedemann–Steiner syndrome (PMID: 30549396). In at least one individual the variant was observed to be de novo. ClinVar contains an entry for this variant (Variation ID: 802795). For these reasons, this variant has been classified as Pathogenic.

Mendelics
Classification: Pathogenic for Wiedemann-Steiner syndrome. Last evaluated: 2019-05-28. Review status: criteria provided, single submitter. Criteria: Mendelics Assertion Criteria 2017. Collection method: clinical testing. Allele origin: unknown.

3billion
Classification: Pathogenic for Wiedemann-Steiner syndrome. Review status: criteria provided, single submitter. Criteria: ACMG Guidelines, 2015. Collection method: clinical testing. Allele origin: unknown. Affected: yes. Observed: 1 heterozygote.
Comment: The variant is not observed in the gnomAD v2.1.1 dataset. The variant is predicted to result in a loss or disruption of normal protein function through nonsense-mediated decay (NMD) or protein truncation. Multiple pathogenic variants are reported downstream of the variant. The variant has been previously reported as de novo in a similarly affected individual (PMID: 30549396, 30549396). The variant has been reported to be associated with KMT2A related disorder (ClinVar ID: VCV000802795 / PMID: 30549396). Therefore, this variant is classified as Pathogenic according to the recommendation of ACMG/AMP guideline.

Literature cited by the submitters: PubMed 30549396 (cited by 4 submitters); PubMed 38397201 (cited by Ambry Genetics); PubMed 22795537 (cited by Labcorp Genetics (formerly Invitae), Labcorp); PubMed 25574841 (cited by Labcorp Genetics (formerly Invitae), Labcorp); PubMed 25810209 (cited by Labcorp Genetics (formerly Invitae), Labcorp); PubMed 28120103 (cited by Labcorp Genetics (formerly Invitae), Labcorp); PubMed 29574747 (cited by Labcorp Genetics (formerly Invitae), Labcorp); PubMed 31157197 (cited by Labcorp Genetics (formerly Invitae), Labcorp); PubMed 31337854 (cited by Labcorp Genetics (formerly Invitae), Labcorp).

NM_001197104.2(KMT2A):c.173dup (p.Ala59fs)

Gene: KMT2A (lysine methyltransferase 2A; plus strand). Cytogenetic location: 11q23.3.
Variant type: Duplication.
Coding change: c.173dup on transcript NM_001197104.2 (MANE Select); coding-DNA position 173, one base duplicated (C; older notation c.173dupC).
Protein change: p.Ala59fs; shifts the reading frame from alanine 59.
Molecular consequence: frameshift variant.
Genome position (GRCh38, 1-based): chr11:118,436,685, C duplicated; the last of 7 consecutive C bases (chr11:118,436,679-118,436,685); duplicating any one gives the same sequence. VCF-style (leftmost placement, unchanged base first): chr11-118436678-T-TC. GRCh37 (hg19) VCF-style: chr11-118307393-T-TC.
Other names: c.173dupC (NM_001197104.2, NM_001197104.1); c.173dup (NM_001197104.1); c.173dup, p.Ala59fs (NM_005933.4); short protein forms A59fs.
Identifiers: ClinVar variation 802795 (VCV000802795.8), dbSNP rs1555138552, ClinGen allele CA602138853.